The following is an entry in ClinVar:

NM_000257.4(MYH7):c.1880C>T (p.Ala627Val)

Gene: MYH7 (myosin heavy chain 7; minus strand). Cytogenetic location: 14q11.2.
Variant type: single nucleotide variant.
Coding change: c.1880C>T on transcript NM_000257.4 (MANE Select); coding-DNA position 1880, C replaced by T.
Protein change: p.Ala627Val; replaces alanine 627 with valine.
Molecular consequence: missense variant.
Genome position (GRCh38, 1-based): chr14:23,427,593, G>A on the plus strand (C>T on the coding strand, the complement: MYH7 is on the minus strand). VCF-style: chr14-23427593-G-A. GRCh37 (hg19) VCF-style: chr14-23896802-G-A.
Other names: c.1880C>T, p.Ala627Val (NM_001407004.1); short protein forms A627V.
Identifiers: ClinVar variation 5025171 (VCV005025171.1).

ClinVar aggregate classification (germline): Uncertain significance (1 of 4 stars; one submission).

Conditions:
Cardiovascular phenotype. Identifiers: MedGen CN230736.

Submission:

Ambry Genetics
Classification: Uncertain significance for Cardiovascular phenotype. Last evaluated: 2026-07-31. Review status: criteria provided, single submitter. Criteria: Ambry Variant Classification Scheme 2023. Collection method: clinical testing. Allele origin: germline.
Comment: The p.A627V variant (also known as c.1880C>T), located in coding exon 14 of the MYH7 gene, results from a C to T substitution at nucleotide position 1880. The alanine at codon 627 is replaced by valine, an amino acid with similar properties. This variant was reported in individual(s) with features consistent with dilated cardiomyopathy (Ambry internal data). This amino acid position is well conserved in available vertebrate species. In addition, this alteration is predicted to be tolerated by in silico analysis. Based on the available evidence, the clinical significance of this variant remains unclear.